The following is an entry in ClinVar:

ClinVar aggregate classification (germline): Conflicting classifications of pathogenicity. Review status: criteria provided, conflicting classifications (1 of 4 stars). 6 submissions from 6 submitters: Uncertain significance (1); Benign (2); Likely benign (3). Last evaluated 2026-08-01.

Conditions:
Mitochondrial complex I deficiency, nuclear type 1. Also called: NADH-COENZYME Q REDUCTASE DEFICIENCY; MITOCHONDRIAL NADH DEHYDROGENASE COMPONENT OF COMPLEX I, DEFICIENCY OF. Identifiers: MedGen C6022305, MONDO:0100224, OMIM 252010.

Allele frequency attached by ClinVar (database versions not stated): 1000 Genomes Project 30x 0.00109; 1000 Genomes Project 0.00140; TOPMed 0.00275; ESP Exome Variant Server 0.00323.
gnomAD v4.1: 6,863 of 1,600,864 alleles (0.43%); highest among the groups gnomAD compares: Non-Finnish European, 0.49%; 21 homozygotes.

Submissions (6):

CeGaT Center for Human Genetics Tuebingen
Classification: Likely benign. Last evaluated: 2026-08-01. Review status: criteria provided, single submitter. Criteria: CeGaT Center For Human Genetics Tuebingen Variant Classification Criteria Version 2. Collection method: clinical testing. Allele origin: germline. Affected: yes. Observed: 15 variant alleles.
Comment: FOXRED1: BP4, BP7, BS2

Labcorp Genetics (formerly Invitae), Labcorp
Classification: Benign. Last evaluated: 2026-01-28. Review status: criteria provided, single submitter. Criteria: Invitae Variant Classification Sherloc (09022015). Collection method: clinical testing. Allele origin: germline.

Blueprint Genetics
Classification: Likely benign. Last evaluated: 2024-11-19. Review status: criteria provided, single submitter. Criteria: ACMG Guidelines, 2015. Collection method: clinical testing. Allele origin: germline.

Mayo Clinic Laboratories, Mayo Clinic
Classification: Likely benign. Last evaluated: 2024-07-23. Review status: criteria provided, single submitter. Criteria: ACMG Guidelines, 2015. Collection method: clinical testing. Allele origin: germline. Observed: 5 variant alleles.
Comment: BS1, BP4, BP7

Illumina Laboratory Services, Illumina
Classification: Uncertain significance for Mitochondrial complex I deficiency, nuclear type 1. Last evaluated: 2018-01-13. Review status: criteria provided, single submitter. Criteria: ICSL Variant Classification Criteria 13 December 2019. Collection method: clinical testing. Allele origin: germline.

GeneDx
Classification: Benign. Last evaluated: 2013-04-09. Review status: criteria provided, single submitter. Criteria: GeneDx Variant Classification (06012015). Collection method: clinical testing. Allele origin: germline. Affected: yes.
Comment: This variant is considered likely benign or benign based on one or more of the following criteria: it is a conservative change, it occurs at a poorly conserved position in the protein, it is predicted to be benign by multiple in silico algorithms, and/or has population frequency not consistent with disease.

NM_017547.4(FOXRED1):c.1020G>C (p.Pro340=)

Gene: FOXRED1 (FAD dependent oxidoreductase domain containing 1; plus strand). Cytogenetic location: 11q24.2.
Variant type: single nucleotide variant.
Coding change: c.1020G>C on transcript NM_017547.4 (MANE Select); coding-DNA position 1020, G replaced by C.
Protein change: p.Pro340=; no amino-acid change (proline 340 retained).
Molecular consequence: synonymous variant. On other transcripts: non-coding transcript variant (2).
Genome position (GRCh38, 1-based): chr11:126,276,442, G>C. VCF-style: chr11-126276442-G-C. GRCh37 (hg19) VCF-style: chr11-126146337-G-C.
Other names: p.P340P:CCG>CCC; p.Pro340=.
Identifiers: ClinVar variation 137401 (VCV000137401.40), dbSNP rs143739550, ClinGen allele CA290962.